The following is an entry in ClinVar:

ClinVar aggregate classification (germline): Conflicting classifications of pathogenicity. Review status: criteria provided, conflicting classifications (1 of 4 stars). 6 submissions from 6 submitters: Uncertain significance (3); Likely benign (2). 1 of the submissions does not count toward it. Last evaluated 2025-12-10.

Conditions:
TMEM231-related disorder. Also called: TMEM231-related condition.
Meckel syndrome, type 11 (MKS11). Identifiers: Orphanet 564, MedGen C3809352, MONDO:0014164, OMIM 615397.
Joubert syndrome 20 (JBTS20). Identifiers: Orphanet 475, MedGen C3554235, MONDO:0013994, OMIM 614970.

Allele frequency attached by ClinVar (database versions not stated): gnomAD exomes 0.00002 and 0.00003; ExAC 0.00004; ESP Exome Variant Server 0.00017; gnomAD 0.00024 and 0.00026; TOPMed 0.00031.
gnomAD v4.1: 67 of 1,578,992 alleles (0.0042%); highest among the groups gnomAD compares: African/African-American, 0.076%; no homozygotes.

Submissions (6):

Labcorp Genetics (formerly Invitae), Labcorp
Classification: Likely benign for Joubert syndrome 20; Meckel syndrome, type 11. Last evaluated: 2025-12-10. Review status: criteria provided, single submitter. Criteria: Invitae Variant Classification Sherloc (09022015). Collection method: clinical testing. Allele origin: germline.

Fulgent Genetics
Classification: Uncertain significance for Joubert syndrome 20; Meckel syndrome, type 11. Last evaluated: 2024-04-11. Review status: criteria provided, single submitter. Criteria: ACMG Guidelines, 2015. Collection method: clinical testing. Allele origin: germline.

Blueprint Genetics
Classification: Likely benign. Last evaluated: 2022-09-23. Review status: criteria provided, single submitter. Criteria: ACMG Guidelines, 2015. Collection method: clinical testing. Allele origin: germline.

GeneDx
Classification: Uncertain significance. Last evaluated: 2022-07-13. Review status: criteria provided, single submitter. Criteria: GeneDx Variant Classification Process June 2021. Collection method: clinical testing. Allele origin: germline. Affected: yes.
Comment: In silico analysis supports that this variant does not alter splicing; Has not been previously published as pathogenic or benign to our knowledge

Eurofins Ntd Llc (ga)
Classification: Uncertain significance. Last evaluated: 2014-09-15. Review status: criteria provided, single submitter. Criteria: EGL Classification Definitions 2015. Collection method: clinical testing. Allele origin: germline. Observed: 1 variant allele, 1 heterozygote.

PreventionGenetics, part of Exact Sciences
Classification: Likely benign for TMEM231-related condition. Last evaluated: 2019-10-22. Review status: no assertion criteria provided. Collection method: clinical testing. Allele origin: germline. Not counted in ClinVar's aggregate classification.
Comment: This variant is classified as likely benign based on ACMG/AMP sequence variant interpretation guidelines (Richards et al. 2015 PMID: 25741868, with internal and published modifications).

NM_001077418.3(TMEM231):c.79C>T (p.Leu27=)

Gene: TMEM231 (transmembrane protein 231; minus strand). Cytogenetic location: 16q23.1.
Variant type: single nucleotide variant.
Coding change: c.79C>T on transcript NM_001077418.3 (MANE Select); coding-DNA position 79, C replaced by T.
Protein change: p.Leu27=; no amino-acid change (leucine 27 retained).
Molecular consequence: synonymous variant. On other transcripts: non-coding transcript variant (1).
Genome position (GRCh38, 1-based): chr16:75,556,131, G>A on the plus strand (C>T on the coding strand, the complement: TMEM231 is on the minus strand). VCF-style: chr16-75556131-G-A. GRCh37 (hg19) VCF-style: chr16-75590029-G-A.
Other names: c.141C>T, p.Ser47= (NM_001077416.2).
Identifiers: ClinVar variation 193154 (VCV000193154.20), dbSNP rs370607340, ClinGen allele CA238655.